The following is an entry in ClinVar:

NM_001378778.1(MPDZ):c.5099C>T (p.Thr1700Met)

Gene: MPDZ (multiple PDZ domain crumbs cell polarity complex component; minus strand). Cytogenetic location: 9p23.
Variant type: single nucleotide variant.
Coding change: c.5099C>T on transcript NM_001378778.1 (MANE Select); coding-DNA position 5099, C replaced by T.
Protein change: p.Thr1700Met; replaces threonine 1700 with methionine.
Molecular consequence: missense variant.
Genome position (GRCh38, 1-based): chr9:13,121,871, G>A on the plus strand (C>T on the coding strand, the complement: MPDZ is on the minus strand). VCF-style: chr9-13121871-G-A. GRCh37 (hg19) VCF-style: chr9-13121870-G-A.
Other names: c.5000C>T, p.Thr1667Met (NM_001261406.2, NM_001261407.2, NM_001375416.1 and 3 more transcripts); c.5099C>T, p.Thr1700Met (NM_001330637.2, NM_003829.5); c.5198C>T, p.Thr1733Met (NM_001375413.1); c.4889C>T, p.Thr1630Met (NM_001375420.1, NM_001375421.1, NM_001375422.1 and 4 more transcripts); c.4691C>T, p.Thr1564Met (NM_001375427.1); c.5099C>T (NM_003829.3); short protein forms T1564M, T1630M, T1667M, T1733M, T1700M.
Identifiers: ClinVar variation 2176989 (VCV002176989.3), dbSNP rs767824457, ClinGen allele CA4986434.

ClinVar aggregate classification (germline): Uncertain significance. Review status: criteria provided, multiple submitters, no conflicts (2 of 4 stars). 2 submissions from 2 submitters: Uncertain significance (2). Last evaluated 2024-06-17.

Conditions:
Inborn genetic diseases. Identifiers: MedGen C0950123, MeSH D030342.

Allele frequency attached by ClinVar (database versions not stated): TOPMed 0.00003; gnomAD 0.00004; gnomAD exomes 0.00005; ExAC 0.00013.
gnomAD v4.1: 84 of 1,613,748 alleles (0.0052%); highest among the groups gnomAD compares: East Asian, 0.0067%; no homozygotes.

Submissions (2):

Ambry Genetics
Classification: Uncertain significance for Inborn genetic diseases. Last evaluated: 2024-06-17. Review status: criteria provided, single submitter. Criteria: Ambry Variant Classification Scheme 2023. Collection method: clinical testing. Allele origin: germline.

Labcorp Genetics (formerly Invitae), Labcorp
Classification: Uncertain significance. Last evaluated: 2022-04-01. Review status: criteria provided, single submitter. Criteria: Invitae Variant Classification Sherloc (09022015). Collection method: clinical testing. Allele origin: germline.
Comment: In summary, the available evidence is currently insufficient to determine the role of this variant in disease. Therefore, it has been classified as a Variant of Uncertain Significance. Algorithms developed to predict the effect of missense changes on protein structure and function (SIFT, PolyPhen-2, Align-GVGD) all suggest that this variant is likely to be disruptive. This variant has not been reported in the literature in individuals affected with MPDZ-related conditions. This variant is present in population databases (rs767824457, gnomAD 0.05%). This sequence change replaces threonine, which is neutral and polar, with methionine, which is neutral and non-polar, at codon 1700 of the MPDZ protein (p.Thr1700Met).